The following is an entry in ClinVar:

NM_001035.3(RYR2):c.11235T>A (p.Ser3745Arg)

Gene: RYR2 (ryanodine receptor 2; plus strand). Cytogenetic location: 1q43.
Variant type: single nucleotide variant.
Coding change: c.11235T>A on transcript NM_001035.3 (MANE Select); coding-DNA position 11235, T replaced by A.
Protein change: p.Ser3745Arg; replaces serine 3745 with arginine.
Molecular consequence: missense variant.
Genome position (GRCh38, 1-based): chr1:237,756,377, T>A. VCF-style: chr1-237756377-T-A. GRCh37 (hg19) VCF-style: chr1-237919677-T-A.
Other names: c.11235T>A (NM_001035.2); short protein forms S3745R.
Identifiers: ClinVar variation 3385839 (VCV003385839.3).
Genomic context (GRCh38, chr1:237,756,377, plus strand): 5'-ATACCAGCAAGCCCGACTCCACGATCGTGGCGCGGCTGAGATGGTGCTACAGACAATCAG[T>A]GCCAGCAAAGGTAAGGTTCCTTGAGTTCCCCTCACGAGTGTCTGTTCTTCAGATTTCCTC-3'
Protein context (NP_001026.2, residues 3735-3755): GAAEMVLQTI[Ser3745Arg]ASKGETGPMV

ClinVar aggregate classification (germline): Uncertain significance. Review status: criteria provided, multiple submitters, no conflicts (2 of 4 stars). 3 submissions from 3 submitters: Uncertain significance (3). Last evaluated 2026-07-06.

Conditions:
Catecholaminergic polymorphic ventricular tachycardia (CVPT). Also called: Catecholamine-induced polymorphic ventricular tachycardia. Identifiers: Orphanet 3286, MedGen C5574922, MONDO:0017990.
Cardiovascular phenotype. Identifiers: MedGen CN230736.

gnomAD v4.1: 1 of 1,610,940 alleles (0.000062%); highest among the groups gnomAD compares: Non-Finnish European, 0.000085%; no homozygotes.

Submissions (3):

Ambry Genetics
Classification: Uncertain significance for Cardiovascular phenotype. Last evaluated: 2026-07-06. Review status: criteria provided, single submitter. Criteria: Ambry Variant Classification Scheme 2023. Collection method: clinical testing. Allele origin: germline.
Comment: The p.S3745R variant (also known as c.11235T>A), located in coding exon 81 of the RYR2 gene, results from a T to A substitution at nucleotide position 11235. The serine at codon 3745 is replaced by arginine, an amino acid with dissimilar properties. This amino acid position is conserved. In addition, this alteration is predicted to be deleterious by in silico analysis. Based on the available evidence, the clinical significance of this variant remains unclear.

GeneDx
Classification: Uncertain significance. Last evaluated: 2026-02-27. Review status: criteria provided, single submitter. Criteria: GeneDx Variant Classification Process June 2021. Collection method: clinical testing. Allele origin: germline.
Comment: Not observed at significant frequency in large population cohorts (gnomAD); In silico analysis supports that this missense variant has a deleterious effect on protein structure/function; Has not been previously published as pathogenic or benign to our knowledge; Not located in one of the three hot-spot regions of the RYR2 gene, where the majority of pathogenic missense variants occur (PMID: 19926015)

All of Us Research Program, National Institutes of Health
Classification: Uncertain significance for Catecholaminergic polymorphic ventricular tachycardia. Last evaluated: 2024-05-30. Review status: criteria provided, single submitter. Criteria: ACMG Guidelines, 2015. Collection method: clinical testing. Allele origin: germline. Inheritance: Autosomal dominant inheritance. Observed: 1 variant allele, 1 heterozygote.
Comment: This missense variant replaces serine with arginine at codon 3745 of the RYR2 protein. Computational prediction is inconclusive regarding the impact of this variant on protein structure and function (internally defined REVEL score threshold 0.5 < inconclusive < 0.7, PMID: 27666373). To our knowledge, functional studies have not been reported for this variant. This variant has not been reported in individuals affected with RYR2-related disorders in the literature. This variant has not been identified in the general population by the Genome Aggregation Database (gnomAD). The available evidence is insufficient to determine the role of this variant in disease conclusively. Therefore, this variant is classified as a Variant of Uncertain Significance.

This study involves interpretation of variants in research participants for the purpose of population health screening. Participant phenotype was not available at the time of variant classification. Additional details can be found in publication PMID: 35346344, PMCID: PMC8962531